The following is an entry in ClinVar:

ClinVar aggregate classification (germline): Uncertain significance. Review status: criteria provided, multiple submitters, no conflicts (2 of 4 stars). 2 submissions from 2 submitters: Uncertain significance (2). Last evaluated 2025-09-14.

Allele frequency attached by ClinVar (database versions not stated): ExAC 0.00002; ESP Exome Variant Server 0.00008; gnomAD 0.00001.
gnomAD v4.1: 6 of 1,611,152 alleles (0.00037%); highest among the groups gnomAD compares: Non-Finnish European, 0.00051%; no homozygotes.

Submissions (2):

Labcorp Genetics (formerly Invitae), Labcorp
Classification: Uncertain significance. Last evaluated: 2025-09-14. Review status: criteria provided, single submitter. Criteria: Invitae Variant Classification Sherloc (09022015). Collection method: clinical testing. Allele origin: germline.
Comment: This sequence change replaces threonine, which is neutral and polar, with asparagine, which is neutral and polar, at codon 369 of the CNGA3 protein (p.Thr369Asn). This variant is present in population databases (rs201372439, gnomAD 0.002%). This variant has not been reported in the literature in individuals affected with CNGA3-related conditions. ClinVar contains an entry for this variant (Variation ID: 2574313). Invitae Evidence Modeling of protein sequence and biophysical properties (such as structural, functional, and spatial information, amino acid conservation, physicochemical variation, residue mobility, and thermodynamic stability) has been performed for this missense variant. However, the output from this modeling did not meet the statistical confidence thresholds required to predict the impact of this variant on CNGA3 protein function. In summary, the available evidence is currently insufficient to determine the role of this variant in disease. Therefore, it has been classified as a Variant of Uncertain Significance.

GeneDx
Classification: Uncertain significance. Last evaluated: 2023-01-26. Review status: criteria provided, single submitter. Criteria: GeneDx Variant Classification Process June 2021. Collection method: clinical testing. Allele origin: germline. Affected: yes.
Comment: Not observed at significant frequency in large population cohorts (gnomAD); In silico analysis supports that this missense variant has a deleterious effect on protein structure/function; Has not been previously published as pathogenic or benign to our knowledge

NM_001298.3(CNGA3):c.1106C>A (p.Thr369Asn)

Gene: CNGA3 (cyclic nucleotide gated channel subunit alpha 3; plus strand). Cytogenetic location: 2q11.2.
Variant type: single nucleotide variant.
Coding change: c.1106C>A on transcript NM_001298.3 (MANE Select); coding-DNA position 1106, C replaced by A.
Protein change: p.Thr369Asn; replaces threonine 369 with asparagine.
Molecular consequence: missense variant.
Genome position (GRCh38, 1-based): chr2:98,396,276, C>A. VCF-style: chr2-98396276-C-A. GRCh37 (hg19) VCF-style: chr2-99012739-C-A.
Other names: c.1052C>A, p.Thr351Asn (NM_001079878.2); short protein forms T351N, T369N.
Identifiers: ClinVar variation 2574313 (VCV002574313.3), dbSNP rs201372439, ClinGen allele CA1793945.